The following is an entry in ClinVar:

NM_006662.3(SRCAP):c.8708T>C (p.Val2903Ala)

Gene: SRCAP (Snf2 related CREBBP activator protein; plus strand). Cytogenetic location: 16p11.2.
Variant type: single nucleotide variant.
Coding change: c.8708T>C on transcript NM_006662.3 (MANE Select); coding-DNA position 8708, T replaced by C.
Protein change: p.Val2903Ala; replaces valine 2903 with alanine.
Molecular consequence: missense variant.
Genome position (GRCh38, 1-based): chr16:30,738,748, T>C. VCF-style: chr16-30738748-T-C. GRCh37 (hg19) VCF-style: chr16-30750069-T-C.
Other names: c.8708T>C (NM_006662.2); short protein forms V2903A.
Identifiers: ClinVar variation 4804668 (VCV004804668.2).
Genomic context (GRCh38, chr16:30,738,748, plus strand): 5'-CCACCTTGAAGGGAAAAACCAATGGGGCTGACCCAGTCCCTGGGCCTGAGACCCTAATTG[T>C]TGCAGATCCTGTCCTGGAACCACAGCTTATTCCTGGGCCCCAGCCTCTTGGACCCCAGCC-3'
Protein context (NP_006653.2, residues 2893-2913): DPVPGPETLI[Val2903Ala]ADPVLEPQLI

ClinVar aggregate classification (germline): Uncertain significance. Review status: criteria provided, multiple submitters, no conflicts (2 of 4 stars). 2 submissions from 2 submitters: Uncertain significance (2). Last evaluated 2026-04-04.

Submissions (2):

GeneDx
Classification: Uncertain significance. Last evaluated: 2026-04-04. Review status: criteria provided, single submitter. Criteria: GeneDx Variant Classification Process June 2021. Collection method: clinical testing. Allele origin: germline.
Comment: Not observed at significant frequency in large population cohorts (gnomAD); In silico analysis suggests that this missense variant does not alter protein structure/function; Has not been previously published as pathogenic or benign to our knowledge

Labcorp Genetics (formerly Invitae), Labcorp
Classification: Uncertain significance. Last evaluated: 2025-07-29. Review status: criteria provided, single submitter. Criteria: Invitae Variant Classification Sherloc (09022015). Collection method: clinical testing. Allele origin: germline.
Comment: This sequence change replaces valine, which is neutral and non-polar, with alanine, which is neutral and non-polar, at codon 2903 of the SRCAP protein (p.Val2903Ala). This variant is not present in population databases (gnomAD no frequency). This variant has not been reported in the literature in individuals affected with SRCAP-related conditions. Invitae Evidence Modeling of protein sequence and biophysical properties (such as structural, functional, and spatial information, amino acid conservation, physicochemical variation, residue mobility, and thermodynamic stability) indicates that this missense variant is not expected to disrupt SRCAP protein function with a negative predictive value of 80%. In summary, the available evidence is currently insufficient to determine the role of this variant in disease. Therefore, it has been classified as a Variant of Uncertain Significance.